The following is an entry in ClinVar:

ClinVar aggregate classification (germline): Pathogenic (1 of 4 stars; one submission).

Submission:

Labcorp Genetics (formerly Invitae), Labcorp
Classification: Pathogenic. Last evaluated: 2023-05-16. Review status: criteria provided, single submitter. Criteria: Invitae Variant Classification Sherloc (09022015). Collection method: clinical testing. Allele origin: germline.
Comment: This sequence change creates a premature translational stop signal (p.Gln58*) in the DUOX2 gene. It is expected to result in an absent or disrupted protein product. Loss-of-function variants in DUOX2 are known to be pathogenic (PMID: 12110737, 18765513, 21565790, 24423310, 24735383). This variant is not present in population databases (gnomAD no frequency). This variant has not been reported in the literature in individuals affected with DUOX2-related conditions. For these reasons, this variant has been classified as Pathogenic.

Literature cited by the submitters: PubMed 12110737; PubMed 18765513; PubMed 21565790; PubMed 24423310; PubMed 24735383.

NM_001363711.2(DUOX2):c.172C>T (p.Gln58Ter)

Gene: DUOX2 (dual oxidase 2; minus strand). Cytogenetic location: 15q21.1.
Variant type: single nucleotide variant.
Coding change: c.172C>T on transcript NM_001363711.2 (MANE Select); coding-DNA position 172, C replaced by T.
Protein change: p.Gln58Ter; replaces glutamine 58 with a stop codon.
Molecular consequence: nonsense.
Genome position (GRCh38, 1-based): chr15:45,112,707, G>A on the plus strand (C>T on the coding strand, the complement: DUOX2 is on the minus strand). VCF-style: chr15-45112707-G-A. GRCh37 (hg19) VCF-style: chr15-45404905-G-A.
Other names: c.172C>T, p.Gln58Ter (NM_014080.5); short protein forms Q58*.
Identifiers: ClinVar variation 2864721 (VCV002864721.3), dbSNP rs2504788999, ClinGen allele CA392279918.